The following is an entry in ClinVar:

NM_001371623.1(TCOF1):c.3873G>A (p.Ala1291=)

Gene: TCOF1 (treacle ribosome biogenesis factor 1; plus strand). Cytogenetic location: 5q32.
Variant type: single nucleotide variant.
Coding change: c.3873G>A on transcript NM_001371623.1 (MANE Select); coding-DNA position 3873, G replaced by A.
Protein change: p.Ala1291=; no amino-acid change (alanine 1291 retained).
Molecular consequence: synonymous variant.
Genome position (GRCh38, 1-based): chr5:150,396,370, G>A. VCF-style: chr5-150396370-G-A. GRCh37 (hg19) VCF-style: chr5-149775933-G-A.
Other names: c.3639G>A, p.Ala1213= (NM_000356.4); c.3870G>A, p.Ala1290= (NM_001135243.2); c.3759G>A, p.Ala1253= (NM_001135244.2); c.3642G>A, p.Ala1214= (NM_001135245.2); c.3756G>A, p.Ala1252= (NM_001195141.2).
Identifiers: ClinVar variation 3057514 (VCV003057514.2), dbSNP rs375500651, ClinGen allele CA3511628.

ClinVar aggregate classification (germline): Likely benign (0 of 4 stars; one submission).

Conditions:
TCOF1-related disorder. Also called: TCOF1-related condition.

Allele frequency attached by ClinVar (database versions not stated): ExAC 0.00001; ESP Exome Variant Server 0.00008; TOPMed 0.00008; gnomAD 0.00009.
gnomAD v4.1: 45 of 1,613,822 alleles (0.0028%); highest among the groups gnomAD compares: Middle Eastern, 0.033%; no homozygotes.

Submission:

PreventionGenetics, part of Exact Sciences
Classification: Likely benign for TCOF1-related condition. Last evaluated: 2019-03-22. Review status: no assertion criteria provided. Collection method: clinical testing. Allele origin: germline.
Comment: This variant is classified as likely benign based on ACMG/AMP sequence variant interpretation guidelines (Richards et al. 2015 PMID: 25741868, with internal and published modifications).